The following is an entry in ClinVar:

ClinVar aggregate classification (germline): Pathogenic. Review status: reviewed by expert panel (3 of 4 stars). 5 submissions from 5 submitters: Pathogenic (1). 4 of the submissions do not count toward it. Last evaluated 2020-06-22.

Conditions:
Phenylketonuria (PKU). Also called: Phenylketonurias; Phenylketonuria (PKU); OLIGOPHRENIA PHENYLPYRUVICA; FOLLING DISEASE. Identifiers: Orphanet 716, MedGen C0031485, MONDO:0009861, OMIM 261600. Disease mechanism: loss of function.

Allele frequency attached by ClinVar (database versions not stated): gnomAD exomes below 0.00001 and 0.00001; ExAC 0.00002; gnomAD 0.00003; TOPMed 0.00001.
gnomAD v4.1: 10 of 1,613,916 alleles (0.00062%); highest among the groups gnomAD compares: Non-Finnish European, 0.00051%; no homozygotes.

Submissions (5):

ClinGen PAH Variant Curation Expert Panel
Classification: Pathogenic for Phenylketonuria. Last evaluated: 2020-06-22. Review status: reviewed by expert panel. Criteria: ClinGen PAH ACMG Specifications v1. Collection method: curation. Allele origin: germline. Inheritance: Autosomal recessive inheritance.
Comment: The c.1256A>G (p.Gln419Arg) variant in PAH has been reported in multiple individuals with PAH deficiency (BH4 deficiency excluded). (PMID: 17096675, PMID: 26503515). This variant has an extremely low allele frequency (MAF=0.00016) in gnomAD. This variant was detected in trans with multiple pathogenic variants: p.S231P (PMID: 18346471); p.Ala434Asp (PMID: 25456745); c.1068C>A (p.Y356*) (PMID: 26322415); p.Arg413Pro; p.Ala403Val; p.Val399=; p.Arg243Gln (2 patients); p.Arg53His (US); EX6-96A＞G (PMID: 28982351). Computational prediction tools are conflicting. PAH-specific ACMG/AMP criteria applied: PM3_ very-strong, PM2, PP4_Moderate.

Natera, Inc.
Classification: Pathogenic for Phenylketonuria. Last evaluated: 2025-02-24. Review status: criteria provided, single submitter. Criteria: Natera Variant Classification Schema (03/2026). Collection method: clinical testing. Allele origin: germline. Not counted in ClinVar's aggregate classification.
Comment: The c.1256A>G variant in PAH is a missense variant predicted to cause substitution of glutamine to arginine at amino acid 419. This variant is rare in the general population with a frequency below the threshold expected for the associated phenotype(s). This variant has been observed in one or more individuals affected with the associated recessive disease, as either homozygous or compound heterozygous with a second variant (PMID: 28982351). Given the available evidence, this variant is classified as Pathogenic.

Labcorp Genetics (formerly Invitae), Labcorp
Classification: Pathogenic for Phenylketonuria. Last evaluated: 2024-07-01. Review status: criteria provided, single submitter. Criteria: Invitae Variant Classification Sherloc (09022015). Collection method: clinical testing. Allele origin: germline. Not counted in ClinVar's aggregate classification.
Comment: This sequence change replaces glutamine, which is neutral and polar, with arginine, which is basic and polar, at codon 419 of the PAH protein (p.Gln419Arg). This variant is present in population databases (rs752255985, gnomAD 0.004%). This missense change has been observed in individual(s) with autosomal recessive phenylalanine hydroxylase deficiency (PMID: 18346471, 28982351). ClinVar contains an entry for this variant (Variation ID: 552488). Advanced modeling of protein sequence and biophysical properties (such as structural, functional, and spatial information, amino acid conservation, physicochemical variation, residue mobility, and thermodynamic stability) performed at Invitae indicates that this missense variant is not expected to disrupt PAH protein function with a negative predictive value of 80%. Experimental studies have shown that this missense change affects PAH function (PMID: 18346471, 21820508). For these reasons, this variant has been classified as Pathogenic.

Juno Genomics, Hangzhou Juno Genomics, Inc
Classification: Pathogenic for Phenylketonuria. Review status: criteria provided, single submitter. Criteria: ACMG Guidelines, 2015. Collection method: clinical testing. Allele origin: germline. Affected: yes. Not counted in ClinVar's aggregate classification.
Comment: Absent from controls (or at extremely low frequency if recessive) in Genome Aggregation Database.;For recessive disorders, detected in trans with a pathogenic variant.;Patient's phenotype or family history is highly specific for a disease with a single genetic etiology.

Counsyl
Classification: Likely pathogenic for Phenylketonuria. Last evaluated: 2017-06-13. Review status: no assertion criteria provided. Collection method: clinical testing. Allele origin: unknown. Not counted in ClinVar's aggregate classification.

Literature cited by the submitters: PubMed 17096675 (cited by ClinGen PAH Variant Curation Expert Panel and Counsyl); PubMed 26503515 (cited by ClinGen PAH Variant Curation Expert Panel and Counsyl); PubMed 28982351 (cited by Natera, Inc. and Labcorp Genetics (formerly Invitae), Labcorp); PubMed 18346471 (cited by Labcorp Genetics (formerly Invitae), Labcorp and Counsyl); PubMed 21820508 (cited by Labcorp Genetics (formerly Invitae), Labcorp and Counsyl); PubMed 23932990 (cited by Counsyl); PubMed 25456745 (cited by Counsyl); PubMed 26322415 (cited by Counsyl).

NM_000277.3(PAH):c.1256A>G (p.Gln419Arg)

Gene: PAH (phenylalanine hydroxylase; minus strand). Cytogenetic location: 12q23.2.
Variant type: single nucleotide variant.
Coding change: c.1256A>G on transcript NM_000277.3 (MANE Select); coding-DNA position 1256, A replaced by G.
Protein change: p.Gln419Arg; replaces glutamine 419 with arginine.
Molecular consequence: missense variant.
Genome position (GRCh38, 1-based): chr12:102,840,459, T>C on the plus strand (A>G on the coding strand, the complement: PAH is on the minus strand). VCF-style: chr12-102840459-T-C. GRCh37 (hg19) VCF-style: chr12-103234237-T-C.
Other names: c.1256A>G, p.Gln419Arg (NM_001354304.2); c.1256A>G (NM_000277.2); short protein forms Q419R.
Identifiers: ClinVar variation 552488 (VCV000552488.20), dbSNP rs752255985, ClinGen allele CA6748705.
Genomic context (GRCh38, chr12:102,840,459, plus strand): 5'-CTGTTAATGGAATCAGCCAAAATCTTAAGCTGCTGGGTATTGTCCAAGACCTCAATCCTT[T>C]GGGTGTATGGGTCGTAGCGAACTGAGAAGGGCCGAGGTATTGTGGCAGCAAAGTTCCTAA-3'
Protein context (NP_000268.1, residues 409-429): PFSVRYDPYT[Gln419Arg]RIEVLDNTQQ